The following is an entry in ClinVar:

ClinVar aggregate classification (germline): Likely pathogenic (1 of 4 stars; one submission).

Conditions:
Hypertrophic osteoarthropathy, primary, autosomal recessive, 2 (PHOAR2E). Also called: HYPERTROPHIC OSTEOARTHROPATHY, PRIMARY, AUTOSOMAL RECESSIVE, 2/ENTEROPATHY SYNDROME; PACHYDERMOPERIOSTOSIS, AUTOSOMAL RECESSIVE; PDP, AUTOSOMAL RECESSIVE; PHOAR2-enteropathy syndrome. Identifiers: Orphanet 2796, MedGen C3280800, MONDO:0013756, OMIM 614441.

Submission:

First Genomix Gene Laboratory, Genetic Diagnostics Department
Classification: Likely pathogenic for Hypertrophic osteoarthropathy, primary, autosomal recessive, 2. Last evaluated: 2025-05-29. Review status: criteria provided, single submitter. Criteria: ACMG Guidelines, 2015. Collection method: clinical testing. Allele origin: germline. Inheritance: Autosomal recessive inheritance. Affected: no. Observed: 1 variant allele.

NM_005630.3(SLCO2A1):c.1398C>G (p.Tyr466Ter)

Genes: SLCO2A1 (solute carrier organic anion transporter family member 2A1; minus strand), LOC123038185 (Sharpr-MPRA regulatory region 14374; plus strand). Cytogenetic location: 3q22.1.
Variant type: single nucleotide variant.
Coding change: c.1398C>G on transcript NM_005630.3 (MANE Select); coding-DNA position 1398, C replaced by G.
Protein change: p.Tyr466Ter; replaces tyrosine 466 with a stop codon.
Molecular consequence: nonsense.
Genome position (GRCh38, 1-based): chr3:133,945,158, G>C on the plus strand (C>G on the coding strand, the complement: SLCO2A1 is on the minus strand). VCF-style: chr3-133945158-G-C. GRCh37 (hg19) VCF-style: chr3-133664002-G-C.
Other names: short protein forms Y466*.
Identifiers: ClinVar variation 4849414 (VCV004849414.1).